The following is an entry in ClinVar:

NM_182914.3(SYNE2):c.19542T>C (p.Tyr6514=)

Gene: SYNE2 (spectrin repeat containing nuclear envelope protein 2; plus strand). Cytogenetic location: 14q23.2.
Variant type: single nucleotide variant.
Coding change: c.19542T>C on transcript NM_182914.3 (MANE Select); coding-DNA position 19542, T replaced by C.
Protein change: p.Tyr6514=; no amino-acid change (tyrosine 6514 retained).
Molecular consequence: synonymous variant.
Genome position (GRCh38, 1-based): chr14:64,216,387, T>C. VCF-style: chr14-64216387-T-C. GRCh37 (hg19) VCF-style: chr14-64683105-T-C.
Other names: c.19473T>C, p.Tyr6491= (NM_015180.6); c.66T>C, p.Tyr22= (NM_182910.2); c.444T>C, p.Tyr148= (NM_182913.4).
Identifiers: ClinVar variation 1441356 (VCV001441356.6), dbSNP rs904364473, ClinGen allele CA261827520.

ClinVar aggregate classification (germline): Uncertain significance (1 of 4 stars; one submission).

Conditions:
Emery-Dreifuss muscular dystrophy 5, autosomal dominant (EDMD5). Also called: EMERY-DREIFUSS MUSCULAR DYSTROPHY 5. Identifiers: Orphanet 261, MedGen C2751805, MONDO:0013072, OMIM 612999.

Allele frequency attached by ClinVar (database versions not stated): gnomAD exomes below 0.00001 and 0.00001; gnomAD 0.00001; TOPMed 0.00002.
gnomAD v4.1: 4 of 1,614,062 alleles (0.00025%); highest among the groups gnomAD compares: African/African-American, 0.004%; no homozygotes.

Submission:

Labcorp Genetics (formerly Invitae), Labcorp
Classification: Uncertain significance for Emery-Dreifuss muscular dystrophy 5, autosomal dominant. Last evaluated: 2025-03-27. Review status: criteria provided, single submitter. Criteria: Invitae Variant Classification Sherloc (09022015). Collection method: clinical testing. Allele origin: germline.
Comment: This sequence change affects codon 6514 of the SYNE2 mRNA. It is a 'silent' change, meaning that it does not change the encoded amino acid sequence of the SYNE2 protein. It affects a nucleotide within the consensus splice site. This variant is present in population databases (no rsID available, gnomAD 0.007%). This variant has not been reported in the literature in individuals affected with SYNE2-related conditions. ClinVar contains an entry for this variant (Variation ID: 1441356). Algorithms developed to predict the effect of sequence changes on RNA splicing suggest that this variant is not likely to affect RNA splicing. In summary, the available evidence is currently insufficient to determine the role of this variant in disease. Therefore, it has been classified as a Variant of Uncertain Significance.